The following is an entry in ClinVar:

ClinVar aggregate classification (germline): Uncertain significance (1 of 4 stars; one submission).

Conditions:
Gastrointestinal stromal tumor. Also called: Gastrointestinal stromal tumor, somatic; Gastrointestinal stroma tumor. Identifiers: Orphanet 44890, MedGen C0238198, MeSH D046152, MONDO:0011719, OMIM 606764, HP:0100723.

gnomAD v4.1: 4 of 1,612,576 alleles (0.00025%); highest among the groups gnomAD compares: Non-Finnish European, 0.00034%; no homozygotes.

Submission:

Labcorp Genetics (formerly Invitae), Labcorp
Classification: Uncertain significance for Gastrointestinal stromal tumor. Last evaluated: 2023-01-23. Review status: criteria provided, single submitter. Criteria: Invitae Variant Classification Sherloc (09022015). Collection method: clinical testing. Allele origin: germline.
Comment: In summary, the available evidence is currently insufficient to determine the role of this variant in disease. Therefore, it has been classified as a Variant of Uncertain Significance. Variants that disrupt the consensus splice site are a relatively common cause of aberrant splicing (PMID: 17576681, 9536098). Algorithms developed to predict the effect of sequence changes on RNA splicing suggest that this variant is not likely to affect RNA splicing. This variant has not been reported in the literature in individuals affected with PDGFRA-related conditions. This variant is not present in population databases (gnomAD no frequency). This sequence change falls in intron 4 of the PDGFRA gene. It does not directly change the encoded amino acid sequence of the PDGFRA protein. It affects a nucleotide within the consensus splice site.

Literature cited by the submitters: PubMed 17576681; PubMed 9536098.

NM_006206.6(PDGFRA):c.628+4C>G

Gene: PDGFRA (platelet derived growth factor receptor alpha; plus strand). Cytogenetic location: 4q12.
Variant type: single nucleotide variant.
Coding change: c.628+4C>G on transcript NM_006206.6 (MANE Select); 4 bases into the intron after coding-DNA position 628, C replaced by G.
Molecular consequence: intron variant.
Genome position (GRCh38, 1-based): chr4:54,263,931, C>G. VCF-style: chr4-54263931-C-G. GRCh37 (hg19) VCF-style: chr4-55130098-C-G.
Other names: c.703+4C>G (NM_001347828.2); c.628+4C>G (NM_001347827.2, NM_001347829.2); c.667+4C>G (NM_001347830.2).
Identifiers: ClinVar variation 2978167 (VCV002978167.3), dbSNP rs368210930, ClinGen allele CA356890248.